The following is an entry in ClinVar:

ClinVar aggregate classification (germline): Uncertain significance. Review status: criteria provided, multiple submitters, no conflicts (2 of 4 stars). 3 submissions from 3 submitters: Uncertain significance (3). Last evaluated 2024-01-02.

Allele frequency attached by ClinVar (database versions not stated): TOPMed 0.00018; gnomAD exomes 0.00020 and 0.00027; gnomAD 0.00028 and 0.00029; ExAC 0.00039.
gnomAD v4.1: 329 of 1,584,244 alleles (0.021%); highest among the groups gnomAD compares: Non-Finnish European, 0.022%; no homozygotes.

Submissions (3):

Labcorp Genetics (formerly Invitae), Labcorp
Classification: Uncertain significance. Last evaluated: 2024-01-02. Review status: criteria provided, single submitter. Criteria: Invitae Variant Classification Sherloc (09022015). Collection method: clinical testing. Allele origin: germline.
Comment: This sequence change replaces glycine, which is neutral and non-polar, with serine, which is neutral and polar, at codon 179 of the KIAA1161 protein (p.Gly179Ser). This variant is present in population databases (rs201045436, gnomAD 0.1%). This variant has not been reported in the literature in individuals affected with KIAA1161-related conditions. ClinVar contains an entry for this variant (Variation ID: 1013326). Advanced modeling of protein sequence and biophysical properties (such as structural, functional, and spatial information, amino acid conservation, physicochemical variation, residue mobility, and thermodynamic stability) performed at Invitae indicates that this missense variant is not expected to disrupt KIAA1161 protein function with a negative predictive value of 80%. In summary, the available evidence is currently insufficient to determine the role of this variant in disease. Therefore, it has been classified as a Variant of Uncertain Significance.

Ambry Genetics
Classification: Uncertain significance. Last evaluated: 2023-12-16. Review status: criteria provided, single submitter. Criteria: Ambry Variant Classification Scheme 2023. Collection method: clinical testing. Allele origin: germline.

CeGaT Center for Human Genetics Tuebingen
Classification: Uncertain significance. Last evaluated: 2020-08-01. Review status: criteria provided, single submitter. Criteria: CeGaT Center For Human Genetics Tuebingen Variant Classification Criteria Version 2. Collection method: clinical testing. Allele origin: germline. Affected: yes. Observed: 1 variant allele.

NM_020702.5(MYORG):c.535G>A (p.Gly179Ser)

Gene: MYORG (myogenesis regulating glycosidase; minus strand). Cytogenetic location: 9p13.3.
Variant type: single nucleotide variant.
Coding change: c.535G>A on transcript NM_020702.5 (MANE Select); coding-DNA position 535, G replaced by A.
Protein change: p.Gly179Ser; replaces glycine 179 with serine.
Molecular consequence: missense variant.
Genome position (GRCh38, 1-based): chr9:34,372,409, C>T on the plus strand (G>A on the coding strand, the complement: MYORG is on the minus strand). VCF-style: chr9-34372409-C-T. GRCh37 (hg19) VCF-style: chr9-34372407-C-T.
Other names: c.535G>A (NM_020702.3); short protein forms G179S.
Identifiers: ClinVar variation 1013326 (VCV001013326.42), dbSNP rs201045436, ClinGen allele CA5033125.
Genomic context (GRCh38, chr9:34,372,409, plus strand): 5'-GGATGGGCCAGTGTTGCGTCCTCATCTCGGCGCCACCATACCAGTGGGCCGCCGCGTCGC[C>T]CAAGAACATGGCGTGCTCCACGGCCCGGCCCGGCGCTGCCTCCTCCCAGCGCACGCGGTA-3'
Protein context (NP_065753.2, residues 169-189): GRAVEHAMFL[Gly179Ser]DAAAHWYGGA